The following is an entry in ClinVar:

NM_001371986.1(UNC80):c.1090G>A (p.Glu364Lys)

Gene: UNC80 (unc-80 subunit of NALCN channel complex; plus strand). Cytogenetic location: 2q34.
Variant type: single nucleotide variant.
Coding change: c.1090G>A on transcript NM_001371986.1 (MANE Select); coding-DNA position 1090, G replaced by A.
Protein change: p.Glu364Lys; replaces glutamic acid 364 with lysine.
Molecular consequence: missense variant.
Genome position (GRCh38, 1-based): chr2:209,813,731, G>A. VCF-style: chr2-209813731-G-A. GRCh37 (hg19) VCF-style: chr2-210678455-G-A.
Other names: c.1090G>A, p.Glu364Lys (NM_032504.2, NM_182587.4); short protein forms E364K.
Identifiers: ClinVar variation 1897134 (VCV001897134.5), dbSNP rs2470958113, ClinGen allele CA350133257.

ClinVar aggregate classification (germline): Uncertain significance (1 of 4 stars; one submission).

Allele frequency attached by ClinVar (database versions not stated): gnomAD exomes below 0.00001.
gnomAD v4.1: 3 of 1,551,750 alleles (0.00019%); highest among the groups gnomAD compares: African/African-American, 0.0014%; no homozygotes.

Submission:

Labcorp Genetics (formerly Invitae), Labcorp
Classification: Uncertain significance. Last evaluated: 2022-03-23. Review status: criteria provided, single submitter. Criteria: Invitae Variant Classification Sherloc (09022015). Collection method: clinical testing. Allele origin: germline.
Comment: In summary, the available evidence is currently insufficient to determine the role of this variant in disease. Therefore, it has been classified as a Variant of Uncertain Significance. Algorithms developed to predict the effect of missense changes on protein structure and function are either unavailable or do not agree on the potential impact of this missense change (SIFT: "Not Available"; PolyPhen-2: "Benign"; Align-GVGD: "Not Available"). This variant has not been reported in the literature in individuals affected with UNC80-related conditions. This variant is not present in population databases (gnomAD no frequency). This sequence change replaces glutamic acid, which is acidic and polar, with lysine, which is basic and polar, at codon 364 of the UNC80 protein (p.Glu364Lys).